The following is an entry in ClinVar:

NM_033305.3(VPS13A):c.6905G>A (p.Ser2302Asn)

Gene: VPS13A (vacuolar protein sorting 13 homolog A; plus strand). Cytogenetic location: 9q21.2.
Variant type: single nucleotide variant.
Coding change: c.6905G>A on transcript NM_033305.3 (MANE Select); coding-DNA position 6905, G replaced by A.
Protein change: p.Ser2302Asn; replaces serine 2302 with asparagine.
Molecular consequence: missense variant.
Genome position (GRCh38, 1-based): chr9:77,340,429, G>A. VCF-style: chr9-77340429-G-A. GRCh37 (hg19) VCF-style: chr9-79955345-G-A.
Other names: c.6788G>A, p.Ser2263Asn (NM_001018037.2); c.6905G>A, p.Ser2302Asn (NM_001018038.3, NM_015186.4); short protein forms S2263N, S2302N.
Identifiers: ClinVar variation 698563 (VCV000698563.13), dbSNP rs188070090, ClinGen allele CA5093165.

ClinVar aggregate classification (germline): Benign. Review status: criteria provided, multiple submitters, no conflicts (2 of 4 stars). 3 submissions from 3 submitters: Benign (2). 1 of the submissions does not count toward it. Last evaluated 2026-01-25.

Conditions:
VPS13A-related neurodegenerative disease. Also called: Choreoacanthocytosis; Chorea-acanthocytosis; VPS13A Disease; Choreaacanthocytosis; LEVINE-CRITCHLEY SYNDROME; ACANTHOCYTOSIS WITH NEUROLOGIC DISORDER. Identifiers: Orphanet 2388, MedGen C0393576, MONDO:0008695, OMIM 200150.

Allele frequency attached by ClinVar (database versions not stated): gnomAD 0.00026 and 0.00035; gnomAD exomes 0.00026 and 0.00105; TOPMed 0.00055; ExAC 0.00091; 1000 Genomes Project 30x 0.00094; 1000 Genomes Project 0.00120.
gnomAD v4.1: 428 of 1,613,328 alleles (0.027%); highest among the groups gnomAD compares: East Asian, 0.93%; 4 homozygotes.

Submissions (3):

Labcorp Genetics (formerly Invitae), Labcorp
Classification: Benign. Last evaluated: 2026-01-25. Review status: criteria provided, single submitter. Criteria: Invitae Variant Classification Sherloc (09022015). Collection method: clinical testing. Allele origin: germline.

Athena Diagnostics
Classification: Benign. Last evaluated: 2025-05-06. Review status: criteria provided, single submitter. Criteria: Athena Diagnostics Criteria. Collection method: clinical testing. Allele origin: unknown.
Comment: The frequency of this variant in the general population is higher than would generally be expected for pathogenic variants in this gene.

Natera, Inc.
Classification: Benign for Choreaacanthocytosis. Last evaluated: 2020-09-16. Review status: no assertion criteria provided. Collection method: clinical testing. Allele origin: germline. Not counted in ClinVar's aggregate classification.